The following is an entry in ClinVar:

NM_001958.5(EEF1A2):c.375G>T (p.Ala125=)

Gene: EEF1A2 (eukaryotic translation elongation factor 1 alpha 2; minus strand). Cytogenetic location: 20q13.33.
Variant type: single nucleotide variant.
Coding change: c.375G>T on transcript NM_001958.5 (MANE Select); coding-DNA position 375, G replaced by T.
Protein change: p.Ala125=; no amino-acid change (alanine 125 retained).
Molecular consequence: synonymous variant.
Genome position (GRCh38, 1-based): chr20:63,495,051, C>A on the plus strand (G>T on the coding strand, the complement: EEF1A2 is on the minus strand). VCF-style: chr20-63495051-C-A. GRCh37 (hg19) VCF-style: chr20-62126404-C-A.
Identifiers: ClinVar variation 4687792 (VCV004687792.1).

ClinVar aggregate classification (germline): Likely benign (1 of 4 stars; one submission).

gnomAD v4.1: 1 of 1,612,538 alleles (0.000062%); highest among the groups gnomAD compares: Non-Finnish European, 0.000085%; no homozygotes.

Submission:

Women's Health and Genetics/Laboratory Corporation of America, LabCorp
Classification: Likely benign. Last evaluated: 2025-10-23. Review status: criteria provided, single submitter. Criteria: LabCorp Variant Classification Summary - May 2015. Collection method: clinical testing. Allele origin: germline.
Comment: Variant summary: EEF1A2 c.375G>T alters a non-conserved nucleotide resulting in a synonymous change. Consensus agreement among computation tools predict no significant impact on normal splicing. However, these predictions have yet to be confirmed by functional studies. The variant was absent in 248636 control chromosomes. The available data on variant occurrences in the general population are insufficient to allow any conclusion about variant significance. To our knowledge, no occurrence of c.375G>T in individuals affected with EEF1A2-related conditions and no experimental evidence demonstrating its impact on protein function have been reported. No submitters have cited clinical-significance assessments for this variant to ClinVar. Based on the evidence outlined above, the variant was classified as likely benign.